The following is an entry in ClinVar:

NM_004004.6(GJB2):c.440A>G (p.Glu147Gly)

Gene: GJB2 (gap junction protein beta 2; minus strand). Cytogenetic location: 13q12.11.
Variant type: single nucleotide variant.
Coding change: c.440A>G on transcript NM_004004.6 (MANE Select); coding-DNA position 440, A replaced by G.
Protein change: p.Glu147Gly; replaces glutamic acid 147 with glycine.
Molecular consequence: missense variant.
Genome position (GRCh38, 1-based): chr13:20,189,142, T>C on the plus strand (A>G on the coding strand, the complement: GJB2 is on the minus strand). VCF-style: chr13-20189142-T-C. GRCh37 (hg19) VCF-style: chr13-20763281-T-C.
Other names: short protein forms E147G.
Identifiers: ClinVar variation 1312591 (VCV001312591.6), dbSNP rs1959057808, ClinGen allele CA387461142.
Genomic context (GRCh38, chr13:20,189,142, plus strand): 5'-ACCAGCCGCTGCATGGAGAAGCCGTCGTACATGACATAGAAGACGTACATGAAGGCGGCT[T>C]CGAAGATGACCCGGAAGAAGATGCTGCTTGTGTAGGTCCACCACAGGGAGCCTTCGATGC-3'
Protein context (NP_003995.2, residues 137-157): TSSIFFRVIF[Glu147Gly]AAFMYVFYVM

ClinVar aggregate classification (germline): Conflicting classifications of pathogenicity. Review status: criteria provided, conflicting classifications (1 of 4 stars). 2 submissions from 2 submitters: Pathogenic (1); Uncertain significance (1). Last evaluated 2023-02-04.

Allele frequency attached by ClinVar (database versions not stated): TOPMed below 0.00001.

Submissions (2):

Labcorp Genetics (formerly Invitae), Labcorp
Classification: Pathogenic. Last evaluated: 2023-02-04. Review status: criteria provided, single submitter. Criteria: Invitae Variant Classification Sherloc (09022015). Collection method: clinical testing. Allele origin: germline.
Comment: Advanced modeling of protein sequence and biophysical properties (such as structural, functional, and spatial information, amino acid conservation, physicochemical variation, residue mobility, and thermodynamic stability) performed at Invitae indicates that this missense variant is expected to disrupt GJB2 protein function. ClinVar contains an entry for this variant (Variation ID: 1312591). This missense change has been observed in individual(s) with autosomal recessive deafness (Invitae). In at least one individual the data is consistent with being in trans (on the opposite chromosome) from a pathogenic variant. This variant is not present in population databases (gnomAD no frequency). This sequence change replaces glutamic acid, which is acidic and polar, with glycine, which is neutral and non-polar, at codon 147 of the GJB2 protein (p.Glu147Gly). For these reasons, this variant has been classified as Pathogenic. This variant disrupts the p.Glu147 amino acid residue in GJB2. Other variant(s) that disrupt this residue have been determined to be pathogenic (PMID: 14676473, 21465647, 30168495, 30344259). This suggests that this residue is clinically significant, and that variants that disrupt this residue are likely to be disease-causing.

GeneDx
Classification: Uncertain significance. Last evaluated: 2020-03-31. Review status: criteria provided, single submitter. Criteria: GeneDx Variant Classification Process June 2021. Collection method: clinical testing. Allele origin: germline. Affected: yes.
Comment: Not observed in large population cohorts (Lek et al., 2016); Located in the conserved third transmembrane domain of connexin 26; In silico analysis supports that this missense variant has a deleterious effect on protein structure/function; Has not been previously published as pathogenic or benign to our knowledge

Literature cited by the submitters: PubMed 14676473 (cited by Labcorp Genetics (formerly Invitae), Labcorp); PubMed 21465647 (cited by Labcorp Genetics (formerly Invitae), Labcorp); PubMed 30168495 (cited by Labcorp Genetics (formerly Invitae), Labcorp); PubMed 30344259 (cited by Labcorp Genetics (formerly Invitae), Labcorp).